The following is an entry in ClinVar:

ClinVar aggregate classification (germline): Uncertain significance (1 of 4 stars; one submission).

Conditions:
Cardiovascular phenotype. Identifiers: MedGen CN230736.

Submission:

Ambry Genetics
Classification: Uncertain significance for Cardiovascular phenotype. Last evaluated: 2023-02-10. Review status: criteria provided, single submitter. Criteria: Ambry Variant Classification Scheme 2023. Collection method: clinical testing. Allele origin: germline.
Comment: The p.G562E variant (also known as c.1685G>A), located in coding exon 12 of the VCL gene, results from a G to A substitution at nucleotide position 1685. The glycine at codon 562 is replaced by glutamic acid, an amino acid with similar properties. This amino acid position is conserved. In addition, this alteration is predicted to be deleterious by in silico analysis. Since supporting evidence is limited at this time, the clinical significance of this alteration remains unclear.

NM_014000.3(VCL):c.1685G>A (p.Gly562Glu)

Gene: VCL (vinculin; plus strand). Cytogenetic location: 10q22.2.
Variant type: single nucleotide variant.
Coding change: c.1685G>A on transcript NM_014000.3 (MANE Select); coding-DNA position 1685, G replaced by A.
Protein change: p.Gly562Glu; replaces glycine 562 with glutamic acid.
Molecular consequence: missense variant.
Genome position (GRCh38, 1-based): chr10:74,095,797, G>A. VCF-style: chr10-74095797-G-A. GRCh37 (hg19) VCF-style: chr10-75855555-G-A.
Other names: c.1685G>A, p.Gly562Glu (NM_003373.4); short protein forms G562E.
Identifiers: ClinVar variation 2451026 (VCV002451026.2), dbSNP rs2549226483, ClinGen allele CA377275062.